The following is an entry in ClinVar:

ClinVar aggregate classification (germline): Uncertain significance (1 of 4 stars; one submission).

Allele frequency attached by ClinVar (database versions not stated): gnomAD 0.00001; TOPMed 0.00001.
gnomAD v4.1: 1 of 1,607,242 alleles (0.000062%); highest among the groups gnomAD compares: African/African-American, 0.0013%; no homozygotes.

Submission:

Labcorp Genetics (formerly Invitae), Labcorp
Classification: Uncertain significance. Last evaluated: 2022-09-01. Review status: criteria provided, single submitter. Criteria: Invitae Variant Classification Sherloc (09022015). Collection method: clinical testing. Allele origin: germline.
Comment: This sequence change replaces alanine, which is neutral and non-polar, with valine, which is neutral and non-polar, at codon 236 of the PSMA3 protein (p.Ala236Val). This variant has not been reported in the literature in individuals affected with PSMA3-related conditions. Algorithms developed to predict the effect of missense changes on protein structure and function are either unavailable or do not agree on the potential impact of this missense change (SIFT: "Deleterious"; PolyPhen-2: "Benign"; Align-GVGD: "Class C55"). In summary, the available evidence is currently insufficient to determine the role of this variant in disease. Therefore, it has been classified as a Variant of Uncertain Significance. This variant is not present in population databases (gnomAD no frequency).

NM_002788.4(PSMA3):c.707C>T (p.Ala236Val)

Genes: PSMA3 (proteasome 20S subunit alpha 3; plus strand), PSMA3-AS1 (PSMA3 antisense RNA 1; minus strand). Cytogenetic location: 14q23.1.
Variant type: single nucleotide variant.
Coding change: c.707C>T on transcript NM_002788.4 (MANE Select); coding-DNA position 707, C replaced by T.
Protein change: p.Ala236Val; replaces alanine 236 with valine.
Molecular consequence: missense variant. On other transcripts: non-coding transcript variant (1).
Genome position (GRCh38, 1-based): chr14:58,270,982, C>T. VCF-style: chr14-58270982-C-T. GRCh37 (hg19) VCF-style: chr14-58737700-C-T.
Other names: c.686C>T, p.Ala229Val (NM_152132.3); short protein forms A229V, A236V.
Identifiers: ClinVar variation 1718593 (VCV001718593.5), dbSNP rs886586237, ClinGen allele CA261607263.